The following is an entry in ClinVar:

ClinVar aggregate classification (germline): Conflicting classifications of pathogenicity. Review status: criteria provided, conflicting classifications (1 of 4 stars). 13 submissions from 12 submitters: Uncertain significance (7); Likely benign (6). Last evaluated 2026-01-28.

Conditions:
Cardiovascular phenotype. Identifiers: MedGen CN230736.
Cardiomyopathy (CMYO). Also called: Cardiomyopathies. Identifiers: Orphanet 167848, MedGen C0878544, MONDO:0004994, HP:0001638. Inheritance: Various modes of inheritance.
Lethal congenital glycogen storage disease of heart. Also called: GLYCOGEN STORAGE DISEASE OF HEART; PHOSPHORYLASE KINASE DEFICIENCY OF HEART. Identifiers: Orphanet 439854, MedGen C1849813, MONDO:0009867, OMIM 261740.
Wolff-Parkinson-White pattern. Also called: Auriculoventricular accessory pathway syndrome; False bundle branch block syndrome; Anomalous ventricular excitation syndrome; WPW SYNDROME. Identifiers: MedGen C0043202, MONDO:0008685, OMIM 194200, HP:0001716.
Hypertrophic cardiomyopathy 6. Identifiers: MedGen C1833236, MONDO:0010946, OMIM 600858.

Allele frequency attached by ClinVar (database versions not stated): TOPMed 0.00014; gnomAD 0.00015 and 0.00016; 1000 Genomes Project 30x 0.00016; gnomAD exomes 0.00017; ExAC 0.00022.
gnomAD v4.1: 225 of 1,402,108 alleles (0.016%); highest among the groups gnomAD compares: Non-Finnish European, 0.019%; no homozygotes.

Submissions (13):

Labcorp Genetics (formerly Invitae), Labcorp
Classification: Likely benign for Lethal congenital glycogen storage disease of heart. Last evaluated: 2026-01-28. Review status: criteria provided, single submitter. Criteria: Invitae Variant Classification Sherloc (09022015). Collection method: clinical testing. Allele origin: germline.

Molecular Diagnostic Laboratory for Inherited Cardiovascular Disease, Montreal Heart Institute
Classification: Likely benign. Last evaluated: 2025-04-08. Review status: criteria provided, single submitter. Criteria: ACMG Guidelines, 2015. Collection method: clinical testing. Allele origin: germline. Affected: no.
Comment: BS1;BP4

Blueprint Genetics
Classification: Likely benign. Last evaluated: 2024-11-21. Review status: criteria provided, single submitter. Criteria: ACMG Guidelines, 2015. Collection method: clinical testing. Allele origin: germline.

GeneDx
Classification: Uncertain significance. Last evaluated: 2024-03-11. Review status: criteria provided, single submitter. Criteria: GeneDx Variant Classification Process June 2021. Collection method: clinical testing. Allele origin: germline. Affected: yes.
Comment: Identified in a infant with hypoplastic left heart syndrome (HLHS) and left ventricular noncompaction (LVNC) and in a patient with HCM (PMID: 31527676, 35626289); In silico analysis supports that this missense variant does not alter protein structure/function; This variant is associated with the following publications: (PMID: 31527676, 35626289)

CHEO Genetics Diagnostic Laboratory, Children's Hospital of Eastern Ontario
Classification: Uncertain significance for Cardiomyopathy. Last evaluated: 2023-05-16. Review status: criteria provided, single submitter. Criteria: ACMG Guidelines, 2015. Collection method: clinical testing. Allele origin: germline. Study: Canadian Open Genetics Repository.

CeGaT Center for Human Genetics Tuebingen
Classification: Likely benign. Last evaluated: 2023-05-01. Review status: criteria provided, single submitter. Criteria: CeGaT Center For Human Genetics Tuebingen Variant Classification Criteria Version 2. Collection method: clinical testing. Allele origin: germline. Affected: yes. Observed: 6 variant alleles.
Comment: PRKAG2: BP4

Ambry Genetics
Classification: Uncertain significance for Cardiovascular phenotype. Last evaluated: 2023-03-03. Review status: criteria provided, single submitter. Criteria: Ambry General Variant Classification Scheme_2022. Collection method: clinical testing. Allele origin: germline.
Comment: The p.A233G variant (also known as c.698C>G), located in coding exon 5 of the PRKAG2 gene, results from a C to G substitution at nucleotide position 698. The alanine at codon 233 is replaced by glycine, an amino acid with similar properties. This alteration has been reported in an acute heart failure in infancy cohort; however, clinical details were limited (Ritter A et al. Genet Med, 2020 Feb;22:423-426). This amino acid position is well conserved in available vertebrate species. In addition, this alteration is predicted to be tolerated by in silico analysis. Since supporting evidence is limited at this time, the clinical significance of this alteration remains unclear.

Color Diagnostics, LLC DBA Color Health
Classification: Likely benign for Cardiomyopathy. Last evaluated: 2019-11-12. Review status: criteria provided, single submitter. Criteria: ACMG Guidelines, 2015. Collection method: clinical testing. Allele origin: germline.

Illumina Laboratory Services, Illumina
Classification: Uncertain significance for Wolff-Parkinson-White pattern. Last evaluated: 2018-01-12. Review status: criteria provided, single submitter. Criteria: ICSL Variant Classification Criteria 13 December 2019. Collection method: clinical testing. Allele origin: germline.

Illumina Laboratory Services, Illumina
Classification: Uncertain significance for Hypertrophic cardiomyopathy 6. Last evaluated: 2018-01-12. Review status: criteria provided, single submitter. Criteria: ICSL Variant Classification Criteria 13 December 2019. Collection method: clinical testing. Allele origin: germline.

Women's Health and Genetics/Laboratory Corporation of America, LabCorp
Classification: Likely benign. Last evaluated: 2017-03-28. Review status: criteria provided, single submitter. Criteria: LabCorp Variant Classification Summary - May 2015. Collection method: clinical testing. Allele origin: germline.
Comment: Variant summary: The PRKAG2 c.698C>G (p.Ala233Gly) variant involves the alteration of a conserved nucleotide. 3/4 in silico tools predict a benign outcome for this variant. This variant was found in 17/77136 control chromosomes, predominantly observed in the European subpopulation at a frequency of 0.000371 (17/45836). This frequency is about 15 times the estimated maximal expected allele frequency of a pathogenic PRKAG2 variant (0.000025), suggesting this is likely a benign polymorphism found primarily in the populations of European origin. One clinical diagnostic laboratory identified this variant in one infant with unspecified cardiomyopathy and classified this variant as uncertain significance without additional evidence for independent review. One reputable database classified this variant as "unlikely to be pathogenic". Taken together, this variant is classified as likely benign.

Centre for Mendelian Genomics, University Medical Centre Ljubljana
Classification: Uncertain significance. Last evaluated: 2016-01-01. Review status: criteria provided, single submitter. Criteria: ACMG Guidelines, 2015. Collection method: clinical testing. Allele origin: unknown. Affected: yes.
Comment: This variant was classified as: Uncertain significance.

Laboratory for Molecular Medicine, Mass General Brigham Personalized Medicine
Classification: Uncertain significance. Last evaluated: 2012-11-14. Review status: criteria provided, single submitter. Criteria: LMM Criteria. Collection method: clinical testing. Allele origin: germline. Observed: 3 variant alleles.
Comment: Variant classified as Uncertain Significance - Favor Benign. This variant is located outside of the CBS domain, where all pathogenic PRKAG2 mutations have been identified to date (Oliveira 2003), raising the possibility that it may be tolerated. Computational analyses (biochemical amino acid propert ies, conservation, AlignGVGD, PolyPhen2, and SIFT) also suggest that the Ala233G ly variant may not impact the protein, though this information is not predictive enough to rule out pathogenicity. In summary, additional information is needed to fully assess the clinical significance of the Ala233Gly variant.

Literature cited by the submitters: PubMed 31527676 (cited by Ambry Genetics).

NM_016203.4(PRKAG2):c.698C>G (p.Ala233Gly)

Genes: PRKAG2 (protein kinase AMP-activated non-catalytic subunit gamma 2; minus strand), LOC129999660 (ATAC-STARR-seq lymphoblastoid silent region 18823; plus strand). Cytogenetic location: 7q36.1.
Variant type: single nucleotide variant.
Coding change: c.698C>G on transcript NM_016203.4 (MANE Select); coding-DNA position 698, C replaced by G.
Protein change: p.Ala233Gly; replaces alanine 233 with glycine.
Molecular consequence: missense variant. On other transcripts: 5 prime UTR variant (2).
Genome position (GRCh38, 1-based): chr7:151,632,125, G>C on the plus strand (C>G on the coding strand, the complement: PRKAG2 is on the minus strand). VCF-style: chr7-151632125-G-C. GRCh37 (hg19) VCF-style: chr7-151329211-G-C.
Other names: c.566C>G, p.Ala189Gly (NM_001040633.2); c.326C>G, p.Ala109Gly (NM_001304527.2, NM_001363698.2); c.-26C>G (NM_001304531.2, NM_024429.2); short protein forms A233G, A189G, A109G.
Identifiers: ClinVar variation 45733 (VCV000045733.77), dbSNP rs201240745, ClinGen allele CA014502.